The following is an entry in ClinVar:

NM_000523.4(HOXD13):c.684dup (p.Tyr229fs)

Gene: HOXD13 (homeobox D13; plus strand). Cytogenetic location: 2q31.1.
Variant type: Duplication.
Coding change: c.684dup on transcript NM_000523.4 (MANE Select); coding-DNA position 684, one base duplicated (G; older notation c.684dupG).
Protein change: p.Tyr229fs; shifts the reading frame from tyrosine 229.
Molecular consequence: frameshift variant.
Genome position (GRCh38, 1-based): chr2:176,093,574, G duplicated; the last of 4 consecutive G bases (chr2:176,093,571-176,093,574); duplicating any one gives the same sequence. VCF-style (leftmost placement, unchanged base first): chr2-176093570-A-AG. GRCh37 (hg19) VCF-style: chr2-176958298-A-AG.
Other names: short protein forms Y229fs.
Identifiers: ClinVar variation 2502140 (VCV002502140.2), dbSNP rs2468153773, ClinGen allele CA2580614418.

ClinVar aggregate classification (germline): Pathogenic (1 of 4 stars; one submission).

Submission:

GeneDx
Classification: Pathogenic. Last evaluated: 2025-05-05. Review status: criteria provided, single submitter. Criteria: GeneDx Variant Classification Process June 2021. Collection method: clinical testing. Allele origin: germline.
Comment: Frameshift variant predicted to result in protein truncation or nonsense mediated decay in a gene for which loss of function is a known mechanism of disease; Not observed at significant frequency in large population cohorts (gnomAD); Has not been previously published as pathogenic or benign to our knowledge